The following is an entry in ClinVar:

ClinVar aggregate classification (germline): Likely benign. Review status: criteria provided, multiple submitters, no conflicts (2 of 4 stars). 2 submissions from 2 submitters: Likely benign (2). Last evaluated 2018-06-16.

Allele frequency attached by ClinVar (database versions not stated): 1000 Genomes Project 0.00399; 1000 Genomes Project 30x 0.00422; TOPMed 0.00767; gnomAD 0.00872 and 0.00901; gnomAD exomes 0.01265.
gnomAD v4.1: 18,691 of 1,528,664 alleles (1.2%); highest among the groups gnomAD compares: Non-Finnish European, 1.4%; 130 homozygotes.

Submissions (2):

GeneDx
Classification: Likely benign. Last evaluated: 2018-06-16. Review status: criteria provided, single submitter. Criteria: GeneDx Variant Classification (06012015). Collection method: clinical testing. Allele origin: germline. Affected: yes.
Comment: This variant is considered likely benign or benign based on one or more of the following criteria: it is a conservative change, it occurs at a poorly conserved position in the protein, it is predicted to be benign by multiple in silico algorithms, and/or has population frequency not consistent with disease.

Breakthrough Genomics
Classification: Likely benign. Review status: criteria provided, single submitter. Criteria: ACMG Guidelines, 2015. Collection method: not provided. Allele origin: germline. Inheritance: Autosomal recessive inheritance. Affected: yes.

NM_022124.6(CDH23):c.5924-90G>A

Gene: CDH23 (cadherin related 23; plus strand). Cytogenetic location: 10q22.1.
Variant type: single nucleotide variant.
Coding change: c.5924-90G>A on transcript NM_022124.6 (MANE Select); 90 bases into the intron before coding-DNA position 5924, G replaced by A.
Molecular consequence: intron variant.
Genome position (GRCh38, 1-based): chr10:71,790,198, G>A. VCF-style: chr10-71790198-G-A. GRCh37 (hg19) VCF-style: chr10-73549955-G-A.
Identifiers: ClinVar variation 679515 (VCV000679515.2), dbSNP rs55768030, ClinGen allele CA209461506.